The following is an entry in ClinVar:

NM_000053.4(ATP7B):c.1171T>C (p.Ser391Pro)

Gene: ATP7B (ATPase copper transporting beta; minus strand). Cytogenetic location: 13q14.3.
Variant type: single nucleotide variant.
Coding change: c.1171T>C on transcript NM_000053.4 (MANE Select); coding-DNA position 1171, T replaced by C.
Protein change: p.Ser391Pro; replaces serine 391 with proline.
Molecular consequence: missense variant.
Genome position (GRCh38, 1-based): chr13:51,974,049, A>G on the plus strand (T>C on the coding strand, the complement: ATP7B is on the minus strand). VCF-style: chr13-51974049-A-G. GRCh37 (hg19) VCF-style: chr13-52548185-A-G.
Other names: c.1171T>C, p.Ser391Pro (NM_001005918.3, NM_001330578.2, NM_001330579.2 and 29 more transcripts); c.838T>C, p.Ser280Pro (NM_001243182.2); c.1075T>C, p.Ser359Pro (NM_001406517.1, NM_001406530.1, NM_001406536.1 and 3 more transcripts); c.742T>C, p.Ser248Pro (NM_001406539.1); c.1171T>C (NM_000053.3); short protein forms S280P, S359P, S391P, S248P.
Identifiers: ClinVar variation 2157025 (VCV002157025.4), dbSNP rs755785474, ClinGen allele CA6989426.
Genomic context (GRCh38, chr13:51,974,049, plus strand): 5'-CTGGGCTAATTACAGAGGGATTATAAAGAACTGTTGCAGTCCCTTCGGCCAAAGACACCG[A>G]TATTTGCTGCACCCCTTCCAGTTGGGAGATCATGCCTTCAATGGAATGGACACAGGATGC-3'
Protein context (NP_000044.2, residues 381-401): ISQLEGVQQI[Ser391Pro]VSLAEGTATV

ClinVar aggregate classification (germline): Uncertain significance. Review status: criteria provided, multiple submitters, no conflicts (2 of 4 stars). 4 submissions from 4 submitters: Uncertain significance (4). Last evaluated 2025-06-18.

Conditions:
Wilson disease (WND). Also called: Wilson's disease. Identifiers: Orphanet 905, MedGen C0019202, MONDO:0010200, OMIM 277900. Disease mechanism: loss of function.

Allele frequency attached by ClinVar (database versions not stated): ExAC 0.00001; gnomAD exomes 0.00001; gnomAD 0.00003; TOPMed 0.00004.
gnomAD v4.1: 16 of 1,614,050 alleles (0.00099%); highest among the groups gnomAD compares: Admixed American, 0.0083%; no homozygotes.

Submissions (4):

GeneDx
Classification: Uncertain significance. Last evaluated: 2025-06-18. Review status: criteria provided, single submitter. Criteria: GeneDx Variant Classification Process June 2021. Collection method: clinical testing. Allele origin: germline. Affected: yes.
Comment: In silico analysis supports that this missense variant has a deleterious effect on protein structure/function; Not observed at significant frequency in large population cohorts (gnomAD); This variant is associated with the following publications: (PMID: Kapadia2022[Abstract])

Fulgent Genetics
Classification: Uncertain significance for Wilson disease. Last evaluated: 2024-04-01. Review status: criteria provided, single submitter. Criteria: ACMG Guidelines, 2015. Collection method: clinical testing. Allele origin: germline.

All of Us Research Program, National Institutes of Health
Classification: Uncertain significance for Wilson disease. Last evaluated: 2023-12-18. Review status: criteria provided, single submitter. Criteria: ACMG Guidelines, 2015. Collection method: clinical testing. Allele origin: germline. Inheritance: Autosomal recessive inheritance. Observed: 4 variant alleles, 4 heterozygotes.
Comment: This missense variant replaces serine with proline at codon 391 of the ATP7B protein. Computational prediction suggests that this variant may not impact protein structure and function (internally defined REVEL score threshold <= 0.5, PMID: 27666373). To our knowledge, functional studies have not been reported for this variant. This variant has not been reported in individuals affected with ATP7B-related disorders in the literature. This variant has been identified in 1/249546 chromosomes in the general population by the Genome Aggregation Database (gnomAD). The available evidence is insufficient to determine the role of this variant in disease conclusively. Therefore, this variant is classified as a Variant of Uncertain Significance.

This study involves interpretation of variants in research participants for the purpose of population health screening. Participant phenotype was not available at the time of variant classification. Additional details can be found in publication PMID: 35346344, PMCID: PMC8962531

Labcorp Genetics (formerly Invitae), Labcorp
Classification: Uncertain significance for Wilson disease. Last evaluated: 2022-06-22. Review status: criteria provided, single submitter. Criteria: Invitae Variant Classification Sherloc (09022015). Collection method: clinical testing. Allele origin: germline.
Comment: This sequence change replaces serine, which is neutral and polar, with proline, which is neutral and non-polar, at codon 391 of the ATP7B protein (p.Ser391Pro). This variant is present in population databases (rs755785474, gnomAD 0.003%). This variant has not been reported in the literature in individuals affected with ATP7B-related conditions. Advanced modeling of protein sequence and biophysical properties (such as structural, functional, and spatial information, amino acid conservation, physicochemical variation, residue mobility, and thermodynamic stability) performed at Invitae indicates that this missense variant is not expected to disrupt ATP7B protein function. In summary, the available evidence is currently insufficient to determine the role of this variant in disease. Therefore, it has been classified as a Variant of Uncertain Significance.